The following is an entry in ClinVar:

NC_000022.11:g.40345958C>T

Gene: ADSL (adenylosuccinate lyase; plus strand). Cytogenetic location: 22q13.1.
Variant type: single nucleotide variant.
Genome position: GRCh38 VCF-style: chr22-40345958-C-T. GRCh37 (hg19) VCF-style: chr22-40741962-C-T.
Identifiers: ClinVar variation 1345903 (VCV001345903.3), dbSNP rs558615182, ClinGen allele CA324446456.

ClinVar aggregate classification (germline): Uncertain significance (1 of 4 stars; one submission).

Conditions:
Adenylosuccinate lyase deficiency (ADSLD). Also called: ADSL DEFICIENCY. Identifiers: Orphanet 46, MedGen C0268126, MONDO:0007068, OMIM 103050.

Allele frequency attached by ClinVar (database versions not stated): gnomAD 0.00013 and 0.00014; 1000 Genomes Project 30x 0.00016; TOPMed 0.00016; 1000 Genomes Project 0.00020.

Submission:

Labcorp Genetics (formerly Invitae), Labcorp
Classification: Uncertain significance for Adenylosuccinate lyase deficiency. Last evaluated: 2022-08-21. Review status: criteria provided, single submitter. Criteria: Invitae Variant Classification Sherloc (09022015). Collection method: clinical testing. Allele origin: germline.
Comment: This variant occurs in a non-coding region of the ADSL gene. It does not change the encoded amino acid sequence of the ADSL protein. This variant is present in population databases (rs558615182, gnomAD 0.05%). This variant has not been reported in the literature in individuals affected with ADSL-related conditions. Experimental studies and prediction algorithms are not available or were not evaluated, and the functional significance of this variant is currently unknown. In summary, the available evidence is currently insufficient to determine the role of this variant in disease. Therefore, it has been classified as a Variant of Uncertain Significance.